The following is an entry in ClinVar:

ClinVar aggregate classification (germline): Uncertain significance (1 of 4 stars; one submission).

Conditions:
Inborn genetic diseases. Identifiers: MedGen C0950123, MeSH D030342.

gnomAD v4.1: 1 of 1,614,246 alleles (0.000062%); highest among the groups gnomAD compares: Non-Finnish European, 0.000085%; no homozygotes.

Submission:

Ambry Genetics
Classification: Uncertain significance for Inborn genetic diseases. Last evaluated: 2026-07-19. Review status: criteria provided, single submitter. Criteria: Ambry Variant Classification Scheme 2023. Collection method: clinical testing. Allele origin: germline.
Comment: The p.Q904K variant (also known as c.2710C>A), located in coding exon 28 of the FANCA gene, results from a C to A substitution at nucleotide position 2710. The glutamine at codon 904 is replaced by lysine, an amino acid with similar properties. This amino acid position is conserved. In addition, this alteration is predicted to be tolerated by in silico analysis. Based on the available evidence, the clinical significance of this variant remains unclear.

NM_000135.4(FANCA):c.2710C>A (p.Gln904Lys)

Gene: FANCA (FA complementation group A; minus strand). Cytogenetic location: 16q24.3.
Variant type: single nucleotide variant.
Coding change: c.2710C>A on transcript NM_000135.4 (MANE Select); coding-DNA position 2710, C replaced by A.
Protein change: p.Gln904Lys; replaces glutamine 904 with lysine.
Molecular consequence: missense variant.
Genome position (GRCh38, 1-based): chr16:89,764,958, G>T on the plus strand (C>A on the coding strand, the complement: FANCA is on the minus strand). VCF-style: chr16-89764958-G-T. GRCh37 (hg19) VCF-style: chr16-89831366-G-T.
Other names: c.2710C>A, p.Gln904Lys (NM_001286167.3); short protein forms Q904K.
Identifiers: ClinVar variation 5036364 (VCV005036364.1).